The following is an entry in ClinVar:

NM_001278064.2(GRM1):c.3386A>T (p.Glu1129Val)

Gene: GRM1 (glutamate metabotropic receptor 1; plus strand). Cytogenetic location: 6q24.3.
Variant type: single nucleotide variant.
Coding change: c.3386A>T on transcript NM_001278064.2 (MANE Select); coding-DNA position 3386, A replaced by T.
Protein change: p.Glu1129Val; replaces glutamic acid 1129 with valine.
Molecular consequence: missense variant. On other transcripts: 3 prime UTR variant (3).
Genome position (GRCh38, 1-based): chr6:146,434,597, A>T. VCF-style: chr6-146434597-A-T. GRCh37 (hg19) VCF-style: chr6-146755733-A-T.
Other names: c.*750A>T (NM_001278065.2); c.*715A>T (NM_001278066.1); c.*624A>T (NM_001278067.1); short protein forms E1129V.
Identifiers: ClinVar variation 1951638 (VCV001951638.5), dbSNP rs764363451, ClinGen allele CA4037692.

ClinVar aggregate classification (germline): Uncertain significance (1 of 4 stars; one submission).

Allele frequency attached by ClinVar (database versions not stated): gnomAD 0.00001; gnomAD exomes 0.00001; ExAC 0.00003; TOPMed 0.00003.
gnomAD v4.1: 12 of 1,613,576 alleles (0.00074%); highest among the groups gnomAD compares: East Asian, 0.022%; no homozygotes.

Submission:

Labcorp Genetics (formerly Invitae), Labcorp
Classification: Uncertain significance. Last evaluated: 2023-04-14. Review status: criteria provided, single submitter. Criteria: Invitae Variant Classification Sherloc (09022015). Collection method: clinical testing. Allele origin: germline.
Comment: In summary, the available evidence is currently insufficient to determine the role of this variant in disease. Therefore, it has been classified as a Variant of Uncertain Significance. An algorithm developed to predict the effect of missense changes on protein structure and function (PolyPhen-2) suggests that this variant is likely to be tolerated. ClinVar contains an entry for this variant (Variation ID: 1951638). This variant has not been reported in the literature in individuals affected with GRM1-related conditions. This variant is present in population databases (rs764363451, gnomAD 0.08%). This sequence change replaces glutamic acid, which is acidic and polar, with valine, which is neutral and non-polar, at codon 1129 of the GRM1 protein (p.Glu1129Val).